The following is an entry in ClinVar:

NM_000052.7(ATP7A):c.1483A>G (p.Thr495Ala)

Gene: ATP7A (ATPase copper transporting alpha; plus strand). Cytogenetic location: Xq21.1.
Variant type: single nucleotide variant.
Coding change: c.1483A>G on transcript NM_000052.7 (MANE Select); coding-DNA position 1483, A replaced by G.
Protein change: p.Thr495Ala; replaces threonine 495 with alanine.
Molecular consequence: missense variant.
Genome position (GRCh38, 1-based): chrX:77,998,624, A>G. VCF-style: chrX-77998624-A-G. GRCh37 (hg19) VCF-style: chrX-77254121-A-G.
Other names: c.1483A>G, p.Thr495Ala (NM_001282224.2); short protein forms T495A.
Identifiers: ClinVar variation 1695309 (VCV001695309.32), dbSNP rs2149087878, ClinGen allele CA413595023.

ClinVar aggregate classification (germline): Uncertain significance. Review status: criteria provided, multiple submitters, no conflicts (2 of 4 stars). 2 submissions from 2 submitters: Uncertain significance (2). Last evaluated 2024-09-22.

Conditions:
Menkes kinky-hair syndrome (MNK). Also called: Copper transport disease; Classic Menkes Disease; Menkes Disease. Identifiers: Orphanet 565, MedGen C0022716, MONDO:0010651, OMIM 309400.

Submissions (2):

Genomic Medicine Center of Excellence, King Faisal Specialist Hospital and Research Centre
Classification: Uncertain significance for Menkes kinky-hair syndrome. Last evaluated: 2024-09-22. Review status: criteria provided, single submitter. Criteria: ACMG Guidelines, 2015. Collection method: clinical testing. Allele origin: germline.

CeGaT Center for Human Genetics Tuebingen
Classification: Uncertain significance. Last evaluated: 2022-06-01. Review status: criteria provided, single submitter. Criteria: CeGaT Center For Human Genetics Tuebingen Variant Classification Criteria Version 2. Collection method: clinical testing. Allele origin: germline. Affected: yes. Observed: 1 variant allele.
Comment: ATP7A: PM2